The following is an entry in ClinVar:

NM_203446.3(SYNJ1):c.3837T>A (p.Asn1279Lys)

Gene: SYNJ1 (synaptojanin 1; minus strand). Cytogenetic location: 21q22.11.
Variant type: single nucleotide variant.
Coding change: c.3837T>A on transcript NM_203446.3 (MANE Select); coding-DNA position 3837, T replaced by A.
Protein change: p.Asn1279Lys; replaces asparagine 1279 with lysine.
Molecular consequence: missense variant.
Genome position (GRCh38, 1-based): chr21:32,638,986, A>T on the plus strand (T>A on the coding strand, the complement: SYNJ1 is on the minus strand). VCF-style: chr21-32638986-A-T. GRCh37 (hg19) VCF-style: chr21-34011296-A-T.
Other names: c.3789T>A, p.Asn1263Lys (NM_001160302.2); c.3696T>A, p.Asn1232Lys (NM_001160306.2); c.3954T>A, p.Asn1318Lys (NM_003895.4); short protein forms N1318K, N1232K, N1263K, N1279K.
Identifiers: ClinVar variation 544567 (VCV000544567.9), dbSNP rs1555888329, ClinGen allele CA410086736.

ClinVar aggregate classification (germline): Uncertain significance (1 of 4 stars; one submission).

Conditions:
Early-onset Parkinson disease 20. Also called: PARKINSON DISEASE 20, AUTOSOMAL RECESSIVE EARLY-ONSET. Identifiers: Orphanet 391411, MedGen C3809824, MONDO:0014233, OMIM 615530.
Developmental and epileptic encephalopathy, 53. Also called: Epileptic encephalopathy, early infantile, 53. Identifiers: MedGen C4479313, MONDO:0033362, OMIM 617389.

gnomAD v4.1: 2 of 1,614,028 alleles (0.00012%); highest among the groups gnomAD compares: Admixed American, 0.0017%; no homozygotes.

Submission:

Labcorp Genetics (formerly Invitae), Labcorp
Classification: Uncertain significance for Developmental and epileptic encephalopathy, 53; Early-onset Parkinson disease 20. Last evaluated: 2022-07-19. Review status: criteria provided, single submitter. Criteria: Invitae Variant Classification Sherloc (09022015). Collection method: clinical testing. Allele origin: germline.
Comment: Algorithms developed to predict the effect of missense changes on protein structure and function (SIFT, PolyPhen-2, Align-GVGD) all suggest that this variant is likely to be tolerated. In summary, the available evidence is currently insufficient to determine the role of this variant in disease. Therefore, it has been classified as a Variant of Uncertain Significance. ClinVar contains an entry for this variant (Variation ID: 544567). This variant has not been reported in the literature in individuals affected with SYNJ1-related conditions. This variant is not present in population databases (gnomAD no frequency). This sequence change replaces asparagine, which is neutral and polar, with lysine, which is basic and polar, at codon 1318 of the SYNJ1 protein (p.Asn1318Lys).